The following is an entry in ClinVar:

NM_001371596.2(MFSD8):c.1420C>T (p.Gln474Ter)

Gene: MFSD8 (major facilitator superfamily domain containing 8; minus strand). Cytogenetic location: 4q28.2.
Variant type: single nucleotide variant.
Coding change: c.1420C>T on transcript NM_001371596.2 (MANE Select); coding-DNA position 1420, C replaced by T.
Protein change: p.Gln474Ter; replaces glutamine 474 with a stop codon.
Molecular consequence: nonsense.
Genome position (GRCh38, 1-based): chr4:127,920,767, G>A on the plus strand (C>T on the coding strand, the complement: MFSD8 is on the minus strand). VCF-style: chr4-127920767-G-A. GRCh37 (hg19) VCF-style: chr4-128841922-G-A.
Other names: c.1420C>T (NM_152778.2); c.1219C>T, p.Gln407Ter (NM_001363520.3); c.1105C>T, p.Gln369Ter (NM_001363521.3); c.1285C>T, p.Gln429Ter (NM_001371590.2); c.1429C>T, p.Gln477Ter (NM_001371591.2); c.1426C>T, p.Gln476Ter (NM_001371592.2); c.1306C>T, p.Gln436Ter (NM_001371593.2); c.1273C>T, p.Gln425Ter (NM_001371594.2); and 4 more; short protein forms Q369*, Q380*, Q407*, Q425*, Q429*, Q436*, Q474*, Q476*.
Identifiers: ClinVar variation 1685947 (VCV001685947.9), dbSNP rs370663969, ClinGen allele CA358170728.

ClinVar aggregate classification (germline): Conflicting classifications of pathogenicity. Review status: criteria provided, conflicting classifications (1 of 4 stars). 4 submissions from 4 submitters: Pathogenic (2); Likely pathogenic (1); Uncertain significance (1). Last evaluated 2024-06-21.

Conditions:
Late-infantile neuronal ceroid lipofuscinosis. Also called: Jansky-Bielschowsky disease. Identifiers: MedGen C0022340, MONDO:0015674.
Neuronal ceroid lipofuscinosis 7 (CLN7). Also called: MFSD8-Related Neuronal Ceroid-Lipofuscinosis. Identifiers: Orphanet 168491, Orphanet 228366, MedGen C1838571, MONDO:0012588, OMIM 610951.

gnomAD v4.1: 3 of 1,614,030 alleles (0.00019%); highest among the groups gnomAD compares: Non-Finnish European, 0.00025%; no homozygotes.

Submissions (4):

Natera, Inc.
Classification: Likely pathogenic for Late-infantile neuronal ceroid lipofuscinosis. Last evaluated: 2024-06-21. Review status: criteria provided, single submitter. Criteria: Natera Variant Classification Schema (03/2026). Collection method: clinical testing. Allele origin: germline.
Comment: The c.1420C>T variant in MFSD8 is a nonsense variant predicted to introduce a stop codon at amino acid 474. This variant is expected to result in nonsense mediated decay, truncation, or a dysfunctional protein product. This variant is rare in the general population with a frequency below the threshold expected for the associated phenotype(s). This variant has been observed in one or more individuals affected with the associated recessive disease, as either homozygous or compound heterozygous with a second variant (PMID: 21990111, 26075876). Given the available evidence, this variant is classified as Likely Pathogenic.

Labcorp Genetics (formerly Invitae), Labcorp
Classification: Pathogenic for Neuronal ceroid lipofuscinosis 7. Last evaluated: 2023-04-24. Review status: criteria provided, single submitter. Criteria: Invitae Variant Classification Sherloc (09022015). Collection method: clinical testing. Allele origin: germline.
Comment: This premature translational stop signal has been observed in individual(s) with MFSD8-related conditions (PMID: 21990111). For these reasons, this variant has been classified as Pathogenic. This variant disrupts a region of the MFSD8 protein in which other variant(s) (p.Arg482*) have been determined to be pathogenic (PMID: 19177532, 25976102, 28708303; Invitae). This suggests that this is a clinically significant region of the protein, and that variants that disrupt it are likely to be disease-causing. ClinVar contains an entry for this variant (Variation ID: 1685947). This variant is not present in population databases (gnomAD no frequency). This sequence change creates a premature translational stop signal (p.Gln474*) in the MFSD8 gene. While this is not anticipated to result in nonsense mediated decay, it is expected to disrupt the last 45 amino acid(s) of the MFSD8 protein.

Illumina Laboratory Services, Illumina
Classification: Uncertain significance. Last evaluated: 2022-09-29. Review status: criteria provided, single submitter. Criteria: ICSL CNVClassificationCriteria Aug2020. Collection method: clinical testing. Allele origin: unknown. Affected: yes.
Comment: The MFSD8 c.1420C>T p.(Gln474Ter) nonsense variant results in the substitution of glutamine at amino acid position 474 with a stop codon. This variant occurs in the last exon of the gene and may escape nonsense-mediated mRNA decay. This variant is not found in version 2.1.1 or version 3.1.2 of the Genome Aggregation Database. Based on the available evidence, the c.1420C>T p.(Gln474Ter) variant is classified as a variant of uncertain significance for neuronal ceroid lipofuscinoses.

Mendelics
Classification: Pathogenic for Neuronal ceroid lipofuscinosis 7. Last evaluated: 2022-05-04. Review status: criteria provided, single submitter. Criteria: Mendelics Assertion Criteria 2019. Collection method: clinical testing. Allele origin: germline.

Literature cited by the submitters: PubMed 21990111 (cited by 3 submitters); PubMed 26075876 (cited by Natera, Inc.); PubMed 19177532 (cited by Labcorp Genetics (formerly Invitae), Labcorp); PubMed 25976102 (cited by Labcorp Genetics (formerly Invitae), Labcorp); PubMed 28708303 (cited by Labcorp Genetics (formerly Invitae), Labcorp).